The following is an entry in ClinVar:

ClinVar aggregate classification (germline): Likely pathogenic. Review status: criteria provided, multiple submitters, no conflicts (2 of 4 stars). 2 submissions from 2 submitters: Likely pathogenic (2). Last evaluated 2024-03-14.

Conditions:
Renal tubular dysgenesis of genetic origin. Also called: PRIMITIVE RENAL TUBULE SYNDROME. Identifiers: Orphanet 97369, MedGen C5681536, MONDO:0009970, OMIM 267430.
Hemorrhage, intracerebral, susceptibility to (ICH). Also called: Stroke, hemorrhagic, susceptibility to. Identifiers: MedGen C3281105, MONDO:0100533, OMIM 614519.
Microvascular complications of diabetes, susceptibility to, 3. Identifiers: MedGen C2675470, MONDO:0012963, OMIM 612624.

Allele frequency attached by ClinVar (database versions not stated): gnomAD exomes below 0.00001.
gnomAD v4.1: 1 of 1,333,492 alleles (0.000075%); highest among the groups gnomAD compares: African/African-American, 0.0016%; no homozygotes.

Submissions (2):

Fulgent Genetics
Classification: Likely pathogenic for Renal tubular dysgenesis of genetic origin; Microvascular complications of diabetes, susceptibility to, 3; Hemorrhage, intracerebral, susceptibility to. Last evaluated: 2024-03-14. Review status: criteria provided, single submitter. Criteria: ACMG Guidelines, 2015. Collection method: clinical testing. Allele origin: germline.

Labcorp Genetics (formerly Invitae), Labcorp
Classification: Likely pathogenic. Last evaluated: 2022-01-21. Review status: criteria provided, single submitter. Criteria: Invitae Variant Classification Sherloc (09022015). Collection method: clinical testing. Allele origin: germline.
Comment: This variant is not present in population databases (gnomAD no frequency). This sequence change affects a donor splice site in intron 6 of the ACE gene. It is expected to disrupt RNA splicing. Variants that disrupt the donor or acceptor splice site typically lead to a loss of protein function (PMID: 16199547), and loss-of-function variants in ACE are known to be pathogenic (PMID: 22095942). This variant has not been reported in the literature in individuals affected with ACE-related conditions. In summary, the currently available evidence indicates that the variant is pathogenic, but additional data are needed to prove that conclusively. Therefore, this variant has been classified as Likely Pathogenic. Algorithms developed to predict the effect of sequence changes on RNA splicing suggest that this variant may disrupt the consensus splice site.

Literature cited by the submitters: PubMed 16199547 (cited by Labcorp Genetics (formerly Invitae), Labcorp); PubMed 22095942 (cited by Labcorp Genetics (formerly Invitae), Labcorp).

NM_000789.4(ACE):c.945+2T>G

Gene: ACE (angiotensin I converting enzyme; plus strand). Cytogenetic location: 17q23.3.
Variant type: single nucleotide variant.
Coding change: c.945+2T>G on transcript NM_000789.4 (MANE Select); the canonical splice donor site of the intron after coding-DNA position 945, T replaced by G.
Molecular consequence: splice donor variant.
Genome position (GRCh38, 1-based): chr17:63,481,190, T>G. VCF-style: chr17-63481190-T-G. GRCh37 (hg19) VCF-style: chr17-61558551-T-G.
Other names: c.93+2T>G (NM_001382701.1); c.472+2T>G (NM_001382700.1).
Identifiers: ClinVar variation 1930250 (VCV001930250.6), dbSNP rs2510686780, ClinGen allele CA400545718.